The following is an entry in ClinVar:

NM_006506.5(RASA2):c.2337T>C (p.Cys779=)

Gene: RASA2 (RAS p21 protein activator 2; plus strand). Cytogenetic location: 3q23.
Variant type: single nucleotide variant.
Coding change: c.2337T>C on transcript NM_006506.5 (MANE Select); coding-DNA position 2337, T replaced by C.
Protein change: p.Cys779=; no amino-acid change (cysteine 779 retained).
Molecular consequence: synonymous variant.
Genome position (GRCh38, 1-based): chr3:141,609,884, T>C. VCF-style: chr3-141609884-T-C. GRCh37 (hg19) VCF-style: chr3-141328726-T-C.
Other names: c.2340T>C, p.Cys780= (NM_001303245.3); c.2349T>C, p.Cys783= (NM_001303246.3); c.2337T>C (NM_006506.3).
Identifiers: ClinVar variation 1593782 (VCV001593782.18), dbSNP rs576697395, ClinGen allele CA2645821.

ClinVar aggregate classification (germline): Likely benign. Review status: criteria provided, multiple submitters, no conflicts (2 of 4 stars). 4 submissions from 4 submitters: Likely benign (4). Last evaluated 2025-08-24.

Allele frequency attached by ClinVar (database versions not stated): gnomAD exomes below 0.00001 and 0.00003; ExAC 0.00003; gnomAD 0.00005; TOPMed 0.00009; 1000 Genomes Project 30x 0.00016; 1000 Genomes Project 0.00020.
gnomAD v4.1: 15 of 1,565,894 alleles (0.00096%); highest among the groups gnomAD compares: African/African-American, 0.014%; no homozygotes.

Submissions (4):

Labcorp Genetics (formerly Invitae), Labcorp
Classification: Likely benign. Last evaluated: 2025-08-24. Review status: criteria provided, single submitter. Criteria: Invitae Variant Classification Sherloc (09022015). Collection method: clinical testing. Allele origin: germline.

CeGaT Center for Human Genetics Tuebingen
Classification: Likely benign. Last evaluated: 2025-08-01. Review status: criteria provided, single submitter. Criteria: CeGaT Center For Human Genetics Tuebingen Variant Classification Criteria Version 2. Collection method: clinical testing. Allele origin: germline. Affected: yes. Observed: 1 variant allele.
Comment: RASA2: BP4

Women's Health and Genetics/Laboratory Corporation of America, LabCorp
Classification: Likely benign. Last evaluated: 2023-04-10. Review status: criteria provided, single submitter. Criteria: LabCorp Variant Classification Summary - May 2015. Collection method: clinical testing. Allele origin: germline.

Ambry Genetics
Classification: Likely benign. Last evaluated: 2021-04-29. Review status: criteria provided, single submitter. Criteria: Ambry Variant Classification Scheme 2023. Collection method: clinical testing. Allele origin: germline.